The following is an entry in ClinVar:

ClinVar aggregate classification (germline): Uncertain significance (1 of 4 stars; one submission).

Conditions:
Hyperphosphatasia with impaired intellectual development syndrome 2. Also called: Hyperphosphatasia with intellectual disability syndrome 2; GLYCOSYLPHOSPHATIDYLINOSITOL BIOSYNTHESIS DEFECT 6. Identifiers: Orphanet 247262, MedGen C3553637, MONDO:0013882, OMIM 614749.

gnomAD v4.1: 1 of 1,597,758 alleles (0.000063%); highest among the groups gnomAD compares: Admixed American, 0.0019%; no homozygotes.

Submission:

Labcorp Genetics (formerly Invitae), Labcorp
Classification: Uncertain significance for Hyperphosphatasia with impaired intellectual development syndrome 2. Last evaluated: 2022-07-12. Review status: criteria provided, single submitter. Criteria: Invitae Variant Classification Sherloc (09022015). Collection method: clinical testing. Allele origin: germline.
Comment: In summary, the available evidence is currently insufficient to determine the role of this variant in disease. Therefore, it has been classified as a Variant of Uncertain Significance. Variants that disrupt the consensus splice site are a relatively common cause of aberrant splicing (PMID: 17576681, 9536098). Algorithms developed to predict the effect of sequence changes on RNA splicing suggest that this variant may create or strengthen a splice site. ClinVar contains an entry for this variant (Variation ID: 1488261). This variant has not been reported in the literature in individuals affected with PIGO-related conditions. This variant is not present in population databases (gnomAD no frequency). This sequence change falls in intron 2 of the PIGO gene. It does not directly change the encoded amino acid sequence of the PIGO protein. It affects a nucleotide within the consensus splice site.

Literature cited by the submitters: PubMed 17576681; PubMed 9536098.

NM_032634.4(PIGO):c.512-3C>A

Gene: PIGO (phosphatidylinositol glycan anchor biosynthesis class O; minus strand). Cytogenetic location: 9p13.3.
Variant type: single nucleotide variant.
Coding change: c.512-3C>A on transcript NM_032634.4 (MANE Select); 3 bases into the intron before coding-DNA position 512, C replaced by A.
Molecular consequence: intron variant.
Genome position (GRCh38, 1-based): chr9:35,094,362, G>T on the plus strand (C>A on the coding strand, the complement: PIGO is on the minus strand). VCF-style: chr9-35094362-G-T. GRCh37 (hg19) VCF-style: chr9-35094359-G-T.
Other names: c.512-3C>A (NM_152850.4, NM_001201484.2).
Identifiers: ClinVar variation 1488261 (VCV001488261.6), dbSNP rs2131081917, ClinGen allele CA2573144603.